The following is an entry in ClinVar:

ClinVar aggregate classification (germline): Uncertain significance. Review status: criteria provided, multiple submitters, no conflicts (2 of 4 stars). 3 submissions from 3 submitters: Uncertain significance (3). Last evaluated 2025-09-15.

Conditions:
Alpha thalassemia-X-linked intellectual disability syndrome (ATRX). Also called: ALPHA-THALASSEMIA/IMPAIRED INTELLECTUAL DEVELOPMENT SYNDROME, X-LINKED; ATR-X syndrome; Alpha thalassemia mental retardation syndrome, nondeletion type, X-linked; XLMR hypotonic face syndrome; ALPHA-THALASSEMIA/MENTAL RETARDATION SYNDROME, X-LINKED; ATR, NONDELETION TYPE. Identifiers: Orphanet 847, MedGen C1845055, MONDO:0010519, OMIM 301040.

Submissions (3):

Labcorp Genetics (formerly Invitae), Labcorp
Classification: Uncertain significance for Alpha thalassemia-X-linked intellectual disability syndrome. Last evaluated: 2025-09-15. Review status: criteria provided, single submitter. Criteria: Invitae Variant Classification Sherloc (09022015). Collection method: clinical testing. Allele origin: germline.
Comment: This sequence change replaces serine, which is neutral and polar, with phenylalanine, which is neutral and non-polar, at codon 1215 of the ATRX protein (p.Ser1215Phe). This variant is not present in population databases (gnomAD no frequency). This variant has not been reported in the literature in individuals affected with ATRX-related conditions. ClinVar contains an entry for this variant (Variation ID: 1318956). Invitae Evidence Modeling of protein sequence and biophysical properties (such as structural, functional, and spatial information, amino acid conservation, physicochemical variation, residue mobility, and thermodynamic stability) indicates that this missense variant is not expected to disrupt ATRX protein function with a negative predictive value of 95%. In summary, the available evidence is currently insufficient to determine the role of this variant in disease. Therefore, it has been classified as a Variant of Uncertain Significance.

Women's Health and Genetics/Laboratory Corporation of America, LabCorp
Classification: Uncertain significance. Last evaluated: 2025-07-08. Review status: criteria provided, single submitter. Criteria: LabCorp Variant Classification Summary - May 2015. Collection method: clinical testing. Allele origin: germline.
Comment: Variant summary: ATRX c.3644C>T (p.Ser1215Phe) results in a non-conservative amino acid change in the encoded protein sequence. Algorithms developed to predict the effect of missense changes on protein structure and function all suggest that this variant is likely to be disruptive. The variant was absent in 178034 control chromosomes. The available data on variant occurrences in the general population are insufficient to allow any conclusion about variant significance. To our knowledge, no occurrence of c.3644C>T in individuals affected with ATR-X Syndrome and no experimental evidence demonstrating its impact on protein function have been reported. ClinVar contains an entry for this variant (Variation ID: 1318956). Based on the evidence outlined above, the variant was classified as uncertain significance.

GeneDx
Classification: Uncertain significance. Last evaluated: 2019-07-25. Review status: criteria provided, single submitter. Criteria: GeneDx Variant Classification Process June 2021. Collection method: clinical testing. Allele origin: germline. Affected: yes.
Comment: Not observed in large population cohorts (Lek et al., 2016); In silico analysis, which includes protein predictors and evolutionary conservation, supports that this variant does not alter protein structure/function; Has not been previously published as pathogenic or benign to our knowledge

NM_000489.6(ATRX):c.3644C>T (p.Ser1215Phe)

Gene: ATRX (ATRX chromatin remodeler; minus strand). Cytogenetic location: Xq21.1.
Variant type: single nucleotide variant.
Coding change: c.3644C>T on transcript NM_000489.6 (MANE Select); coding-DNA position 3644, C replaced by T.
Protein change: p.Ser1215Phe; replaces serine 1215 with phenylalanine.
Molecular consequence: missense variant.
Genome position (GRCh38, 1-based): chrX:77,681,612, G>A on the plus strand (C>T on the coding strand, the complement: ATRX is on the minus strand). VCF-style: chrX-77681612-G-A. GRCh37 (hg19) VCF-style: chrX-76937104-G-A.
Other names: c.3530C>T, p.Ser1177Phe (NM_138270.5); short protein forms S1177F, S1215F.
Identifiers: ClinVar variation 1318956 (VCV001318956.4), dbSNP rs2148568049, ClinGen allele CA413705879.